The following is an entry in ClinVar:

ClinVar aggregate classification (germline): Likely benign. Review status: criteria provided, single submitter (1 of 4 stars). 2 submissions from 2 submitters: Likely benign (1). 1 of the submissions does not count toward it. Last evaluated 2025-11-03.

Conditions:
Kabuki syndrome. Also called: Kabuki make-up syndrome; NIIKAWA-KUROKI SYNDROME. Identifiers: Orphanet 2322, MedGen C0796004, MONDO:0016512.
KMT2D-related disorder. Also called: KMT2D-Related Disorders.

Allele frequency attached by ClinVar (database versions not stated): gnomAD exomes below 0.00001; gnomAD 0.00001; TOPMed 0.00001.
gnomAD v4.1: 4 of 1,608,322 alleles (0.00025%); highest among the groups gnomAD compares: Non-Finnish European, 0.00034%; no homozygotes.

Submissions (2):

Labcorp Genetics (formerly Invitae), Labcorp
Classification: Likely benign for Kabuki syndrome. Last evaluated: 2025-11-03. Review status: criteria provided, single submitter. Criteria: Invitae Variant Classification Sherloc (09022015). Collection method: clinical testing. Allele origin: germline.

PreventionGenetics, part of Exact Sciences
Classification: Likely benign for KMT2D-related condition. Last evaluated: 2023-05-31. Review status: no assertion criteria provided. Collection method: clinical testing. Allele origin: germline. Not counted in ClinVar's aggregate classification.
Comment: This variant is classified as likely benign based on ACMG/AMP sequence variant interpretation guidelines (Richards et al. 2015 PMID: 25741868, with internal and published modifications).

NM_003482.4(KMT2D):c.2253C>T (p.His751=)

Gene: KMT2D (lysine methyltransferase 2D; minus strand). Cytogenetic location: 12q13.12.
Variant type: single nucleotide variant.
Coding change: c.2253C>T on transcript NM_003482.4 (MANE Select); coding-DNA position 2253, C replaced by T.
Protein change: p.His751=; no amino-acid change (histidine 751 retained).
Molecular consequence: synonymous variant.
Genome position (GRCh38, 1-based): chr12:49,051,430, G>A on the plus strand (C>T on the coding strand, the complement: KMT2D is on the minus strand). VCF-style: chr12-49051430-G-A. GRCh37 (hg19) VCF-style: chr12-49445213-G-A.
Other names: c.2253C>T (NM_003482.3).
Identifiers: ClinVar variation 1560033 (VCV001560033.10), dbSNP rs1456656949, ClinGen allele CA479714265.